The following is an entry in ClinVar:

NM_178857.6(RP1L1):c.5785G>T (p.Gly1929Trp)

Gene: RP1L1 (RP1 like 1). Cytogenetic location: 8p23.1.
Variant type: single nucleotide variant.
Coding change: c.5785G>T on transcript NM_178857.6 (MANE Select); coding-DNA position 5785, G replaced by T.
Protein change: p.Gly1929Trp; replaces glycine 1929 with tryptophan.
Molecular consequence: missense variant.
Genome position (GRCh38, 1-based): chr8:10,608,313, C>A on the plus strand (G>T on the coding strand, the complement: RP1L1 is on the minus strand). VCF-style: chr8-10608313-C-A. GRCh37 (hg19) VCF-style: chr8-10465823-C-A.
Other names: short protein forms G1929W.
Identifiers: ClinVar variation 1306813 (VCV001306813.2), dbSNP rs769602264, ClinGen allele CA4623536.

ClinVar aggregate classification (germline): Uncertain significance (1 of 4 stars; one submission).

Allele frequency attached by ClinVar (database versions not stated): gnomAD exomes below 0.00001; ExAC 0.00001; TOPMed 0.00001.
gnomAD v4.1: 4 of 1,613,598 alleles (0.00025%); highest among the groups gnomAD compares: African/African-American, 0.004%; no homozygotes.

Submission:

GeneDx
Classification: Uncertain significance. Last evaluated: 2019-07-20. Review status: criteria provided, single submitter. Criteria: GeneDx Variant Classification Process June 2021. Collection method: clinical testing. Allele origin: germline. Affected: yes.
Comment: In silico analysis, which includes protein predictors and evolutionary conservation, supports that this variant does not alter protein structure/function; Has not been previously published as pathogenic or benign to our knowledge